The following is an entry in ClinVar:

NM_003476.5(CSRP3):c.354G>C (p.Glu118Asp)

Gene: CSRP3 (cysteine and glycine rich protein 3; minus strand). Cytogenetic location: 11p15.1.
Variant type: single nucleotide variant.
Coding change: c.354G>C on transcript NM_003476.5 (MANE Select); coding-DNA position 354, G replaced by C.
Protein change: p.Glu118Asp; replaces glutamic acid 118 with aspartic acid.
Molecular consequence: missense variant.
Genome position (GRCh38, 1-based): chr11:19,186,276, C>G on the plus strand (G>C on the coding strand, the complement: CSRP3 is on the minus strand). VCF-style: chr11-19186276-C-G. GRCh37 (hg19) VCF-style: chr11-19207823-C-G.
Other names: c.185G>C, p.Arg62Thr (NM_001369404.1); short protein forms E118D, R62T.
Identifiers: ClinVar variation 228543 (VCV000228543.15), dbSNP rs876657767, ClinGen allele CA10576878.

ClinVar aggregate classification (germline): Uncertain significance. Review status: criteria provided, multiple submitters, no conflicts (2 of 4 stars). 4 submissions from 4 submitters: Uncertain significance (4). Last evaluated 2025-09-04.

Conditions:
Cardiovascular phenotype. Identifiers: MedGen CN230736.
Hypertrophic cardiomyopathy 12. Identifiers: MedGen C2677491, MONDO:0012804, OMIM 612124.
Dilated cardiomyopathy 1M (CMD1M). Identifiers: Orphanet 154, MedGen C1843808, MONDO:0011840, OMIM 607482.

Allele frequency attached by ClinVar (database versions not stated): gnomAD exomes below 0.00001; TOPMed 0.00001.
gnomAD v4.1: 1 of 1,614,238 alleles (0.000062%); highest among the groups gnomAD compares: Non-Finnish European, 0.000085%; no homozygotes.

Submissions (4):

Ambry Genetics
Classification: Uncertain significance for Cardiovascular phenotype. Last evaluated: 2025-09-04. Review status: criteria provided, single submitter. Criteria: Ambry Variant Classification Scheme 2023. Collection method: clinical testing. Allele origin: germline.
Comment: The p.E118D variant (also known as c.354G>C), located in coding exon 3 of the CSRP3 gene, results from a G to C substitution at nucleotide position 354. The glutamic acid at codon 118 is replaced by aspartic acid, an amino acid with highly similar properties. This amino acid position is conserved. In addition, this alteration is predicted to be tolerated by in silico analysis. Based on the available evidence, the clinical significance of this variant remains unclear.

Labcorp Genetics (formerly Invitae), Labcorp
Classification: Uncertain significance for Hypertrophic cardiomyopathy 12; Dilated cardiomyopathy 1M. Last evaluated: 2024-12-16. Review status: criteria provided, single submitter. Criteria: Invitae Variant Classification Sherloc (09022015). Collection method: clinical testing. Allele origin: germline.
Comment: This sequence change replaces glutamic acid, which is acidic and polar, with aspartic acid, which is acidic and polar, at codon 118 of the CSRP3 protein (p.Glu118Asp). This variant is not present in population databases (gnomAD no frequency). This variant has not been reported in the literature in individuals affected with CSRP3-related conditions. ClinVar contains an entry for this variant (Variation ID: 228543). An algorithm developed to predict the effect of missense changes on protein structure and function (PolyPhen-2) suggests that this variant is likely to be tolerated. In summary, the available evidence is currently insufficient to determine the role of this variant in disease. Therefore, it has been classified as a Variant of Uncertain Significance.

Fulgent Genetics
Classification: Uncertain significance for Dilated cardiomyopathy 1M; Hypertrophic cardiomyopathy 12. Last evaluated: 2021-07-08. Review status: criteria provided, single submitter. Criteria: ACMG Guidelines, 2015. Collection method: clinical testing. Allele origin: unknown.

Laboratory for Molecular Medicine, Mass General Brigham Personalized Medicine
Classification: Uncertain significance. Last evaluated: 2015-04-09. Review status: criteria provided, single submitter. Criteria: LMM Criteria. Collection method: clinical testing. Allele origin: germline. Observed: 1 variant allele.
Comment: Variant classified as Uncertain Significance - Favor Benign. The p.Glu118Asp var iant in CSRP3 has not been previously reported in individuals with cardiomyopath y and was absent from large population studies. Glutamic acid (Glu) at position 118 is not conserved in evolutionarily distant species and >25 reptiles, birds, and fish carry an aspartic acid (Asp) at this position, raising the possibility that this change may be tolerated. Additional computational prediction tools sug gest this variant may not impact the protein, though this information is not pre dictive enough to rule out pathogenicity. In summary, while the clinical signifi cance of the p.Glu118Asp variant is uncertain, the presence of the variant amino acid in multiple other species suggests that it is more likely to be benign.